The following is an entry in ClinVar:

ClinVar aggregate classification (germline): Benign (1 of 4 stars; one submission).

Conditions:
Neuropathy, hereditary sensory and autonomic, type 1C. Also called: HSAN IC; HSN IC. Identifiers: Orphanet 36386, MedGen C3150896, MONDO:0013337, OMIM 613640.

Allele frequency attached by ClinVar (database versions not stated): gnomAD 0.00048 and 0.00049; TOPMed 0.00060; 1000 Genomes Project 30x 0.00094; 1000 Genomes Project 0.00160.

Submission:

Illumina Laboratory Services, Illumina
Classification: Benign for Neuropathy, hereditary sensory and autonomic, type 1C. Last evaluated: 2018-01-12. Review status: criteria provided, single submitter. Criteria: ICSL Variant Classification Criteria 13 December 2019. Collection method: clinical testing. Allele origin: germline.
Comment: This variant was observed in the ICSL laboratory as part of a predisposition screen in an ostensibly healthy population. It had not been previously curated by ICSL or reported in the Human Gene Mutation Database (HGMD: prior to June 1st, 2018), and was therefore a candidate for classification through an automated scoring system. Utilizing variant allele frequency, disease prevalence and penetrance estimates, and inheritance mode, an automated score was calculated to assess if this variant is too frequent to cause the disease. Based on the score and internal cut-off values, a variant classified as benign is not then subjected to further curation. The score for this variant resulted in a classification of benign for this disease.

NM_004863.4(SPTLC2):c.*4108G>A

Gene: SPTLC2 (serine palmitoyltransferase long chain base subunit 2; minus strand). Cytogenetic location: 14q24.3.
Variant type: single nucleotide variant.
Coding change: c.*4108G>A on transcript NM_004863.4 (MANE Select); 4108 bases downstream of the stop codon, G replaced by A.
Molecular consequence: 3 prime UTR variant.
Genome position (GRCh38, 1-based): chr14:77,508,176, C>T on the plus strand (G>A on the coding strand, the complement: SPTLC2 is on the minus strand). VCF-style: chr14-77508176-C-T. GRCh37 (hg19) VCF-style: chr14-77974519-C-T.
Identifiers: ClinVar variation 884946 (VCV000884946.4), dbSNP rs140701933, ClinGen allele CA263819286.